The following is an entry in ClinVar:

NM_000426.4(LAMA2):c.4841A>G (p.Asn1614Ser)

Gene: LAMA2 (laminin subunit alpha 2; plus strand). Cytogenetic location: 6q22.33.
Variant type: single nucleotide variant.
Coding change: c.4841A>G on transcript NM_000426.4 (MANE Select); coding-DNA position 4841, A replaced by G.
Protein change: p.Asn1614Ser; replaces asparagine 1614 with serine.
Molecular consequence: missense variant.
Genome position (GRCh38, 1-based): chr6:129,366,342, A>G. VCF-style: chr6-129366342-A-G. GRCh37 (hg19) VCF-style: chr6-129687487-A-G.
Other names: c.4841A>G, p.Asn1614Ser (NM_001079823.2); short protein forms N1614S.
Identifiers: ClinVar variation 2433317 (VCV002433317.5), dbSNP rs538466736, ClinGen allele CA146918593.

ClinVar aggregate classification (germline): Uncertain significance. Review status: criteria provided, multiple submitters, no conflicts (2 of 4 stars). 2 submissions from 2 submitters: Uncertain significance (2). Last evaluated 2024-11-19.

Conditions:
LAMA2-related muscular dystrophy (LAMA2-RD). Also called: Laminin alpha 2-related dystrophy. Identifiers: MedGen C5679788, MONDO:0100228.

Allele frequency attached by ClinVar (database versions not stated): gnomAD exomes below 0.00001; TOPMed 0.00001.
gnomAD v4.1: 1 of 1,613,886 alleles (0.000062%); highest among the groups gnomAD compares: Non-Finnish European, 0.000085%; no homozygotes.

Submissions (2):

Labcorp Genetics (formerly Invitae), Labcorp
Classification: Uncertain significance for LAMA2-related muscular dystrophy. Last evaluated: 2024-11-19. Review status: criteria provided, single submitter. Criteria: Invitae Variant Classification Sherloc (09022015). Collection method: clinical testing. Allele origin: germline.
Comment: This sequence change replaces asparagine, which is neutral and polar, with serine, which is neutral and polar, at codon 1614 of the LAMA2 protein (p.Asn1614Ser). This variant is present in population databases (rs538466736, gnomAD 0.0009%). This variant has not been reported in the literature in individuals affected with LAMA2-related conditions. ClinVar contains an entry for this variant (Variation ID: 2433317). Invitae Evidence Modeling of protein sequence and biophysical properties (such as structural, functional, and spatial information, amino acid conservation, physicochemical variation, residue mobility, and thermodynamic stability) indicates that this missense variant is not expected to disrupt LAMA2 protein function with a negative predictive value of 95%. In summary, the available evidence is currently insufficient to determine the role of this variant in disease. Therefore, it has been classified as a Variant of Uncertain Significance.

Revvity Omics, Revvity
Classification: Uncertain significance. Last evaluated: 2019-11-19. Review status: criteria provided, single submitter. Criteria: ACMG Guidelines, 2015. Collection method: clinical testing. Allele origin: germline.